The following is an entry in ClinVar:

NM_201384.3(PLEC):c.5973G>A (p.Gln1991=)

Gene: PLEC (plectin; minus strand). Cytogenetic location: 8q24.3.
Variant type: single nucleotide variant.
Coding change: c.5973G>A on transcript NM_201384.3 (MANE Select); coding-DNA position 5973, G replaced by A.
Protein change: p.Gln1991=; no amino-acid change (glutamine 1991 retained).
Molecular consequence: synonymous variant.
Genome position (GRCh38, 1-based): chr8:143,923,956, C>T on the plus strand (G>A on the coding strand, the complement: PLEC is on the minus strand). VCF-style: chr8-143923956-C-T. GRCh37 (hg19) VCF-style: chr8-144998124-C-T.
Other names: p.Gln2018=; c.6054G>A, p.Gln2018= (NM_000445.5); c.5931G>A, p.Gln1977= (NM_201378.4); c.5907G>A, p.Gln1969= (NM_201379.3); c.6384G>A, p.Gln2128= (NM_201380.4); c.5877G>A, p.Gln1959= (NM_201381.3); c.5973G>A, p.Gln1991= (NM_201382.4); c.5985G>A, p.Gln1995= (NM_201383.3).
Identifiers: ClinVar variation 749740 (VCV000749740.11), dbSNP rs782018689, ClinGen allele CA4926162.

ClinVar aggregate classification (germline): Likely benign. Review status: criteria provided, multiple submitters, no conflicts (2 of 4 stars). 2 submissions from 2 submitters: Likely benign (2). Last evaluated 2025-08-12.

Conditions:
Epidermolysis bullosa simplex 5B, with muscular dystrophy (EBS5B). Also called: EPIDERMOLYSIS BULLOSA SIMPLEX AND LIMB-GIRDLE MUSCULAR DYSTROPHY; Epidermolysis bullosa simplex with muscular dystrophy. Identifiers: Orphanet 257, MedGen C2931072, MONDO:0009181, OMIM 226670.
Epidermolysis bullosa simplex, Ogna type (EBS5A). Also called: Pidermolysis bullosa simplex 5A, Ogna type; EPIDERMOLYSIS BULLOSA SIMPLEX 5A, OGNA TYPE. Identifiers: Orphanet 79401, MedGen C0432317, MONDO:0007555, OMIM 131950.
Epidermolysis bullosa simplex 5C, with pyloric atresia (EBS5C). Also called: PLEC-Related Epidermolysis Bullosa with Pyloric Atresia; Epidermolysis bullosa simplex with pyloric atresia; PLEC1-Related Epidermolysis Bullosa with Pyloric Atresia. Identifiers: Orphanet 158684, MedGen C2677349, MONDO:0012807, OMIM 612138.
Epidermolysis bullosa simplex with nail dystrophy (EBS5D). Identifiers: MedGen C4225309, MONDO:0014661, OMIM 616487.
Autosomal recessive limb-girdle muscular dystrophy type 2Q (LGMDR17). Also called: MUSCULAR DYSTROPHY, LIMB-GIRDLE, AUTOSOMAL RECESSIVE 17. Identifiers: Orphanet 254361, MedGen C3150989, MONDO:0013390, OMIM 613723.

Allele frequency attached by ClinVar (database versions not stated): gnomAD 0.00001; gnomAD exomes 0.00001 and 0.00002; TOPMed 0.00001; ExAC 0.00002.

Submissions (2):

Labcorp Genetics (formerly Invitae), Labcorp
Classification: Likely benign for Autosomal recessive limb-girdle muscular dystrophy type 2Q; Epidermolysis bullosa simplex, Ogna type; Epidermolysis bullosa simplex with nail dystrophy; Epidermolysis bullosa simplex 5C, with pyloric atresia; Epidermolysis bullosa simplex 5B, with muscular dystrophy. Last evaluated: 2025-08-12. Review status: criteria provided, single submitter. Criteria: Invitae Variant Classification Sherloc (09022015). Collection method: clinical testing. Allele origin: germline.

Mayo Clinic Laboratories, Mayo Clinic
Classification: Likely benign. Last evaluated: 2025-04-01. Review status: criteria provided, single submitter. Criteria: ACMG Guidelines, 2015. Collection method: clinical testing. Allele origin: germline. Observed: 1 variant allele.
Comment: BP4, BP7